The following is an entry in ClinVar:

NM_020964.3(EPG5):c.6225+6C>T

Gene: EPG5 (ectopic P-granules 5 autophagy tethering factor; minus strand). Cytogenetic location: 18q12.3.
Variant type: single nucleotide variant.
Coding change: c.6225+6C>T on transcript NM_020964.3 (MANE Select); 6 bases into the intron after coding-DNA position 6225, C replaced by T.
Molecular consequence: intron variant.
Genome position (GRCh38, 1-based): chr18:45,870,561, G>A on the plus strand (C>T on the coding strand, the complement: EPG5 is on the minus strand). VCF-style: chr18-45870561-G-A. GRCh37 (hg19) VCF-style: chr18-43450526-G-A.
Identifiers: ClinVar variation 1948152 (VCV001948152.2), dbSNP rs2511513029, ClinGen allele CA2576493986.

ClinVar aggregate classification (germline): Uncertain significance (1 of 4 stars; one submission).

Conditions:
Vici syndrome (VICIS). Identifiers: Orphanet 1493, MedGen C1855772, MONDO:0009452, OMIM 242840.

Submission:

Labcorp Genetics (formerly Invitae), Labcorp
Classification: Uncertain significance for Vici syndrome. Last evaluated: 2022-02-28. Review status: criteria provided, single submitter. Criteria: Invitae Variant Classification Sherloc (09022015). Collection method: clinical testing. Allele origin: germline.
Comment: This sequence change falls in intron 36 of the EPG5 gene. It does not directly change the encoded amino acid sequence of the EPG5 protein. It affects a nucleotide within the consensus splice site. This variant is not present in population databases (gnomAD no frequency). This variant has not been reported in the literature in individuals affected with EPG5-related conditions. Variants that disrupt the consensus splice site are a relatively common cause of aberrant splicing (PMID: 17576681, 9536098). Algorithms developed to predict the effect of sequence changes on RNA splicing suggest that this variant is not likely to affect RNA splicing. In summary, the available evidence is currently insufficient to determine the role of this variant in disease. Therefore, it has been classified as a Variant of Uncertain Significance.

Literature cited by the submitters: PubMed 17576681; PubMed 9536098.